The following is an entry in ClinVar:

ClinVar aggregate classification (germline): Uncertain significance (1 of 4 stars; one submission).

Conditions:
Hereditary spastic paraplegia 11. Also called: SPASTIC PARAPLEGIA, AUTOSOMAL RECESSIVE, COMPLICATED, WITH THIN CORPUS CALLOSUM; SPASTIC PARAPLEGIA, AUTOSOMAL RECESSIVE, WITH MENTAL IMPAIRMENT AND THIN CORPUS CALLOSUM; Spastic Paraplegia 11; Spastic paraplegia, mental retardation and thin corpus callosum; Nakamura Osame syndrome; Autosomal recessive hereditary spastic paraplegia, mental impairment, and thin corpus callosum. Identifiers: Orphanet 2822, MedGen C1858479, MONDO:0011445, OMIM 604360.

Allele frequency attached by ClinVar (database versions not stated): gnomAD exomes below 0.00001; TOPMed below 0.00001; gnomAD 0.00002.
gnomAD v4.1: 5 of 1,610,070 alleles (0.00031%); highest among the groups gnomAD compares: Admixed American, 0.005%; no homozygotes.

Submission:

Labcorp Genetics (formerly Invitae), Labcorp
Classification: Uncertain significance for Hereditary spastic paraplegia 11. Last evaluated: 2022-07-01. Review status: criteria provided, single submitter. Criteria: Invitae Variant Classification Sherloc (09022015). Collection method: clinical testing. Allele origin: germline.
Comment: This variant is not present in population databases (gnomAD no frequency). This sequence change replaces leucine, which is neutral and non-polar, with proline, which is neutral and non-polar, at codon 1573 of the SPG11 protein (p.Leu1573Pro). This variant has not been reported in the literature in individuals affected with SPG11-related conditions. Algorithms developed to predict the effect of missense changes on protein structure and function are either unavailable or do not agree on the potential impact of this missense change (SIFT: "Deleterious"; PolyPhen-2: "Possibly Damaging"; Align-GVGD: "Class C0"). In summary, the available evidence is currently insufficient to determine the role of this variant in disease. Therefore, it has been classified as a Variant of Uncertain Significance.

NM_025137.4(SPG11):c.4718T>C (p.Leu1573Pro)

Gene: SPG11 (SPG11 vesicle trafficking associated, spatacsin; minus strand). Cytogenetic location: 15q21.1.
Variant type: single nucleotide variant.
Coding change: c.4718T>C on transcript NM_025137.4 (MANE Select); coding-DNA position 4718, T replaced by C.
Protein change: p.Leu1573Pro; replaces leucine 1573 with proline.
Molecular consequence: missense variant.
Genome position (GRCh38, 1-based): chr15:44,592,356, A>G on the plus strand (T>C on the coding strand, the complement: SPG11 is on the minus strand). VCF-style: chr15-44592356-A-G. GRCh37 (hg19) VCF-style: chr15-44884554-A-G.
Other names: c.4718T>C, p.Leu1573Pro (NM_001160227.2, NM_001411132.1); short protein forms L1573P.
Identifiers: ClinVar variation 1986086 (VCV001986086.3), dbSNP rs986434576, ClinGen allele CA270089838.